The following is an entry in ClinVar:

NM_001943.5(DSG2):c.618_625del (p.Tyr207fs)

Gene: DSG2 (desmoglein 2; plus strand). Cytogenetic location: 18q12.1.
Variant type: Deletion.
Coding change: c.618_625del on transcript NM_001943.5 (MANE Select); coding-DNA positions 618 to 625, 8 bases deleted (TTATCCTC; older notation c.618_625delTTATCCTC).
Protein change: p.Tyr207fs; shifts the reading frame from tyrosine 207.
Molecular consequence: frameshift variant.
Genome position (GRCh38, 1-based): chr18:31,522,177-31,522,184, TTATCCTC deleted; deleting any 8 consecutive bases within chr18:31,522,176-31,522,184 gives the same sequence; the c. name uses the placement nearest the transcript's 3' end. VCF-style (leftmost placement, unchanged base first): chr18-31522175-GCTTATCCT-G. GRCh37 (hg19) VCF-style: chr18-29102138-GCTTATCCT-G.
Other names: short protein forms Y207fs.
Identifiers: ClinVar variation 817197 (VCV000817197.1), dbSNP rs1598811348, ClinGen allele CA915952485.

ClinVar aggregate classification (germline): Likely pathogenic (1 of 4 stars; one submission).

Submission:

GeneDx
Classification: Likely pathogenic. Last evaluated: 2018-08-21. Review status: criteria provided, single submitter. Criteria: GeneDx Variant Classification (06012015). Collection method: clinical testing. Allele origin: germline. Affected: yes.
Comment: Although the c.618_625delTTATCCTC likely pathogenic variant in the DSG2 gene has not been reported to our knowledge, this variant causes a shift in reading frame starting at codon tyrosine 207, changing it to a serine, and creating a premature stop codon at position 6 of the new reading frame, denoted p.Tyr207SerfsX6. This likely pathogenic variant is expected to result in either an abnormal, truncated protein product or loss of protein from this allele through nonsense-mediated mRNA decay. Other frameshift variants in the DSG2 gene have been reported in Human Gene Mutation Database in association with cardiomyopathy (Stenson et al., 2014), indicating that loss of function is a mechanism of disease for this gene. Furthermore, the c.618_625delTTATCCTC variant has not been observed in large population cohorts (Lek et al., 2016). In summary, c.618_625delTTATCCTC in the DSG2 gene is interpreted as a likely pathogenic variant.